The following is an entry in ClinVar:

ClinVar aggregate classification (germline): Pathogenic (1 of 4 stars; one submission).

Conditions:
Osteogenesis imperfecta type I (OI1). Also called: Osteogenesis imperfecta type 1; Classic Non-deforming Osteogenesis Imperfecta with Blue Sclerae; Lobstein disease; OI, TYPE I; OSTEOGENESIS IMPERFECTA TARDA; OSTEOGENESIS IMPERFECTA WITH BLUE SCLERAE. Identifiers: Orphanet 216796, Orphanet 666, MedGen C0023931, MONDO:0008146, OMIM 166200. Disease mechanism: loss of function.

Submission:

Labcorp Genetics (formerly Invitae), Labcorp
Classification: Pathogenic for Osteogenesis imperfecta type I. Last evaluated: 2022-07-13. Review status: criteria provided, single submitter. Criteria: Invitae Variant Classification Sherloc (09022015). Collection method: clinical testing. Allele origin: germline.
Comment: For these reasons, this variant has been classified as Pathogenic. This variant has not been reported in the literature in individuals affected with COL1A1-related conditions. This variant is not present in population databases (gnomAD no frequency). This sequence change creates a premature translational stop signal (p.Leu1355Cysfs*3) in the COL1A1 gene. It is expected to result in an absent or disrupted protein product. Loss-of-function variants in COL1A1 are known to be pathogenic (PMID: 7942841, 9295084, 9443882).

Literature cited by the submitters: PubMed 7942841; PubMed 9295084; PubMed 9443882.

NM_000088.4(COL1A1):c.4063del (p.Leu1355fs)

Gene: COL1A1 (collagen type I alpha 1 chain; minus strand). Cytogenetic location: 17q21.33.
Variant type: Deletion.
Coding change: c.4063del on transcript NM_000088.4 (MANE Select); coding-DNA position 4063, one base deleted (C; older notation c.4063delC).
Protein change: p.Leu1355fs; shifts the reading frame from leucine 1355.
Molecular consequence: frameshift variant.
Genome position (GRCh38, 1-based): chr17:50,185,963, G deleted on the plus strand (C on the coding strand, the reverse complement: COL1A1 is on the minus strand); the first of 2 consecutive G bases (chr17:50,185,963-50,185,964); deleting either gives the same sequence. VCF-style (leftmost placement, unchanged base first): chr17-50185962-AG-A. GRCh37 (hg19) VCF-style: chr17-48263323-AG-A.
Other names: short protein forms L1355fs.
Identifiers: ClinVar variation 2016559 (VCV002016559.4), dbSNP rs2509156997, ClinGen allele CA2580094171.